The following is an entry in ClinVar:

ClinVar aggregate classification (germline): Pathogenic (1 of 4 stars; one submission).

Submission:

GeneDx
Classification: Pathogenic. Last evaluated: 2015-12-18. Review status: criteria provided, single submitter. Criteria: GeneDx Variant Classification (06012015). Collection method: clinical testing. Allele origin: germline. Affected: yes.
Comment: The Y220X pathogenic variant in the UBE3A gene has not been reported previously as a pathogenic variant nor as a benign variant, to our knowledge. This variant is predicted to cause loss of normal protein function either through protein truncation or nonsense-mediated mRNA decay. The Y220X variant was not observed in approximately 6500 individuals of European and African American ancestry in the NHLBI Exome Sequencing Project, indicating it is not a common benign variant in these populations. We interpret Y220X as a pathogenic variant.Pathogenic variants in the UBE3A gene exhibit a parent-of-origin effect due to imprinting of chromosome 15q11.2-q13 and cause symptoms only if maternally-inherited.

NM_130839.5(UBE3A):c.720C>A (p.Tyr240Ter)

Genes: SNHG14 (small nucleolar RNA host gene 14; plus strand), UBE3A (ubiquitin protein ligase E3A; minus strand). Cytogenetic location: 15q11.2.
Variant type: single nucleotide variant.
Coding change: c.720C>A on transcript NM_130839.5 (MANE Select); coding-DNA position 720, C replaced by A.
Protein change: p.Tyr240Ter; replaces tyrosine 240 with a stop codon.
Molecular consequence: nonsense. On other transcripts: non-coding transcript variant (1), intron variant (2).
Genome position (GRCh38, 1-based): chr15:25,371,454, G>T on the plus strand (C>A on the coding strand, the complement: UBE3A is on the minus strand). VCF-style: chr15-25371454-G-T. GRCh37 (hg19) VCF-style: chr15-25616601-G-T.
Other names: c.729C>A, p.Tyr243Ter (NM_000462.5); c.720C>A, p.Tyr240Ter (NM_001354505.1, NM_001354538.2, NM_001354545.2); c.660C>A, p.Tyr220Ter (NM_001354506.2, NM_001354507.2, NM_001354508.2 and 17 more transcripts); c.543C>A, p.Tyr181Ter (NM_001354546.2); c.301+4011C>A (NM_001354551.2); c.361+4011C>A (NM_001354550.2); short protein forms Y220*, Y243*, Y240*, Y181*.
Identifiers: ClinVar variation 280168 (VCV000280168.2), dbSNP rs755078197, ClinGen allele CA10603255.